The following is an entry in ClinVar:

NM_000478.6(ALPL):c.1051G>T (p.Glu351Ter)

Gene: ALPL (alkaline phosphatase, biomineralization associated; plus strand). Cytogenetic location: 1p36.12.
Variant type: single nucleotide variant.
Coding change: c.1051G>T on transcript NM_000478.6 (MANE Select); coding-DNA position 1051, G replaced by T.
Protein change: p.Glu351Ter; replaces glutamic acid 351 with a stop codon.
Molecular consequence: nonsense.
Genome position (GRCh38, 1-based): chr1:21,575,786, G>T. VCF-style: chr1-21575786-G-T. GRCh37 (hg19) VCF-style: chr1-21902279-G-T.
Other names: c.886G>T, p.Glu296Ter (NM_001127501.4); c.820G>T, p.Glu274Ter (NM_001177520.3); c.1051G>T, p.Glu351Ter (NM_001369803.2, NM_001369804.2, NM_001369805.2); short protein forms E274*, E296*, E351*.
Identifiers: ClinVar variation 1725008 (VCV001725008.3), dbSNP rs2545342154, ClinGen allele CA338881108.

ClinVar aggregate classification (germline): Likely pathogenic (1 of 4 stars; one submission).

Conditions:
Hypophosphatasia. Also called: Phosphoethanol-aminuria. Identifiers: Orphanet 436, MedGen C0020630, MeSH D007014, MONDO:0018570.

Submission:

Myriad Genetics, Inc.
Classification: Likely pathogenic for Hypophosphatasia. Last evaluated: 2022-03-04. Review status: criteria provided, single submitter. Criteria: Myriad Autosomal Dominant, Autosomal Recessive and X-Linked Classification Criteria (2023). Collection method: clinical testing. Allele origin: unknown.
Comment: NM_000478.4(ALPL):c.1051G>T(E351*) is expected to be pathogenic in the context of hypophosphatasia. This variant is predicted to lead to an abnormal or absent protein product due to the creation of a premature termination codon in ALPL, a gene where loss-of-function variants are known to be pathogenic. Please note: this variant was assessed in the context of healthy population screening.